The following is an entry in ClinVar:

ClinVar aggregate classification (germline): Uncertain significance. Review status: criteria provided, multiple submitters, no conflicts (2 of 4 stars). 2 submissions from 2 submitters: Uncertain significance (2). Last evaluated 2024-11-18.

Conditions:
Cardiovascular phenotype. Identifiers: MedGen CN230736.
Catecholaminergic polymorphic ventricular tachycardia 1. Also called: VENTRICULAR TACHYCARDIA, CATECHOLAMINERGIC POLYMORPHIC, 1, WITH OR WITHOUT ATRIAL DYSFUNCTION AND/OR DILATED CARDIOMYOPATHY; VENTRICULAR TACHYCARDIA, STRESS-INDUCED POLYMORPHIC 1; RYR2-Related Catecholaminergic Polymorphic Ventricular Tachycardia. Identifiers: Orphanet 3286, MedGen C1631597, MONDO:0011484, OMIM 604772.

Allele frequency attached by ClinVar (database versions not stated): gnomAD exomes below 0.00001.
gnomAD v4.1: 3 of 1,587,000 alleles (0.00019%); highest among the groups gnomAD compares: Non-Finnish European, 0.00026%; no homozygotes.

Submissions (2):

Ambry Genetics
Classification: Uncertain significance for Cardiovascular phenotype. Last evaluated: 2024-11-18. Review status: criteria provided, single submitter. Criteria: Ambry Variant Classification Scheme 2023. Collection method: clinical testing. Allele origin: germline.
Comment: The p.E378G variant (also known as c.1133A>G), located in coding exon 14 of the TRDN gene, results from an A to G substitution at nucleotide position 1133. The glutamic acid at codon 378 is replaced by glycine, an amino acid with similar properties. This amino acid position is conserved. In addition, this alteration is predicted to be tolerated by in silico analysis. Based on the available evidence, the clinical significance of this variant remains unclear.

Labcorp Genetics (formerly Invitae), Labcorp
Classification: Uncertain significance for Catecholaminergic polymorphic ventricular tachycardia 1. Last evaluated: 2021-09-04. Review status: criteria provided, single submitter. Criteria: Invitae Variant Classification Sherloc (09022015). Collection method: clinical testing. Allele origin: germline.
Comment: In summary, the available evidence is currently insufficient to determine the role of this variant in disease. Therefore, it has been classified as a Variant of Uncertain Significance. Algorithms developed to predict the effect of missense changes on protein structure and function are either unavailable or do not agree on the potential impact of this missense change (SIFT: "Deleterious"; PolyPhen-2: "Probably Damaging"; Align-GVGD: "Class C0"). This variant has not been reported in the literature in individuals affected with TRDN-related conditions. This variant is not present in population databases (ExAC no frequency). This sequence change replaces glutamic acid with glycine at codon 378 of the TRDN protein (p.Glu378Gly). The glutamic acid residue is moderately conserved and there is a moderate physicochemical difference between glutamic acid and glycine.

NM_006073.4(TRDN):c.1133A>G (p.Glu378Gly)

Gene: TRDN (triadin; minus strand). Cytogenetic location: 6q22.31.
Variant type: single nucleotide variant.
Coding change: c.1133A>G on transcript NM_006073.4 (MANE Select); coding-DNA position 1133, A replaced by G.
Protein change: p.Glu378Gly; replaces glutamic acid 378 with glycine.
Molecular consequence: missense variant.
Genome position (GRCh38, 1-based): chr6:123,388,524, T>C on the plus strand (A>G on the coding strand, the complement: TRDN is on the minus strand). VCF-style: chr6-123388524-T-C. GRCh37 (hg19) VCF-style: chr6-123709669-T-C.
Other names: c.1133A>G (NM_006073.2); c.1136A>G, p.Glu379Gly (NM_001251987.2); short protein forms E378G, E379G.
Identifiers: ClinVar variation 1390542 (VCV001390542.6), dbSNP rs2114443570, ClinGen allele CA365567029.